The following is an entry in ClinVar:

NM_019032.6(ADAMTSL4):c.565A>G (p.Arg189Gly)

Genes: ADAMTSL4 (ADAMTS like 4; plus strand), ADAMTSL4-AS2 (ADAMTSL4 antisense RNA 2; minus strand). Cytogenetic location: 1q21.2.
Variant type: single nucleotide variant.
Coding change: c.565A>G on transcript NM_019032.6 (MANE Select); coding-DNA position 565, A replaced by G.
Protein change: p.Arg189Gly; replaces arginine 189 with glycine.
Molecular consequence: missense variant.
Genome position (GRCh38, 1-based): chr1:150,553,556, A>G. VCF-style: chr1-150553556-A-G. GRCh37 (hg19) VCF-style: chr1-150526032-A-G.
Other names: c.565A>G, p.Arg189Gly (NM_001288607.2, NM_001288608.2, NM_001378596.1 and 1 more transcripts); short protein forms R189G.
Identifiers: ClinVar variation 2091955 (VCV002091955.4), dbSNP rs749371337, ClinGen allele CA1077987.

ClinVar aggregate classification (germline): Uncertain significance (1 of 4 stars; one submission).

Allele frequency attached by ClinVar (database versions not stated): gnomAD exomes below 0.00001; ExAC 0.00001.
gnomAD v4.1: 1 of 1,613,614 alleles (0.000062%); highest among the groups gnomAD compares: Non-Finnish European, 0.000085%; no homozygotes.

Submission:

Labcorp Genetics (formerly Invitae), Labcorp
Classification: Uncertain significance. Last evaluated: 2021-12-08. Review status: criteria provided, single submitter. Criteria: Invitae Variant Classification Sherloc (09022015). Collection method: clinical testing. Allele origin: germline.
Comment: In summary, the available evidence is currently insufficient to determine the role of this variant in disease. Therefore, it has been classified as a Variant of Uncertain Significance. Algorithms developed to predict the effect of missense changes on protein structure and function output the following: SIFT: "Tolerated"; PolyPhen-2: "Benign"; Align-GVGD: "Class C0". The glycine amino acid residue is found in multiple mammalian species, which suggests that this missense change does not adversely affect protein function. This variant has not been reported in the literature in individuals affected with ADAMTSL4-related conditions. This variant is present in population databases (rs749371337, gnomAD 0.0009%). This sequence change replaces arginine, which is basic and polar, with glycine, which is neutral and non-polar, at codon 189 of the ADAMTSL4 protein (p.Arg189Gly).